The following is an entry in ClinVar:

ClinVar aggregate classification (germline): Uncertain significance. Review status: criteria provided, multiple submitters, no conflicts (2 of 4 stars). 2 submissions from 2 submitters: Uncertain significance (2). Last evaluated 2025-06-22.

Conditions:
RASopathy. Also called: rasopathies; Noonan spectrum disorder. Identifiers: Orphanet 536391, MedGen C5555857, MONDO:0021060.
Cardiovascular phenotype. Identifiers: MedGen CN230736.

Submissions (2):

Labcorp Genetics (formerly Invitae), Labcorp
Classification: Uncertain significance for RASopathy. Last evaluated: 2025-06-22. Review status: criteria provided, single submitter. Criteria: Invitae Variant Classification Sherloc (09022015). Collection method: clinical testing. Allele origin: germline.
Comment: This sequence change replaces serine, which is neutral and polar, with arginine, which is basic and polar, at codon 683 of the BRAF protein (p.Ser683Arg). This variant is not present in population databases (gnomAD no frequency). This variant has not been reported in the literature in individuals affected with BRAF-related conditions. ClinVar contains an entry for this variant (Variation ID: 3223980). Invitae Evidence Modeling of protein sequence and biophysical properties (such as structural, functional, and spatial information, amino acid conservation, physicochemical variation, residue mobility, and thermodynamic stability) has been performed for this missense variant. However, the output from this modeling did not meet the statistical confidence thresholds required to predict the impact of this variant on BRAF protein function. In summary, the available evidence is currently insufficient to determine the role of this variant in disease. Therefore, it has been classified as a Variant of Uncertain Significance.

Ambry Genetics
Classification: Uncertain significance for Cardiovascular phenotype. Last evaluated: 2023-12-15. Review status: criteria provided, single submitter. Criteria: Ambry Variant Classification Scheme 2023. Collection method: clinical testing. Allele origin: germline.
Comment: The p.S683R variant (also known as c.2047A>C), located in coding exon 17 of the BRAF gene, results from an A to C substitution at nucleotide position 2047. The serine at codon 683 is replaced by arginine, an amino acid with dissimilar properties. This amino acid position is conserved. In addition, the in silico prediction for this alteration is inconclusive. Since supporting evidence is limited at this time, the clinical significance of this alteration remains unclear.

NM_004333.6(BRAF):c.2047A>C (p.Ser683Arg)

Gene: BRAF (B-Raf proto-oncogene, serine/threonine kinase; minus strand). Cytogenetic location: 7q34.
Variant type: single nucleotide variant.
Coding change: c.2047A>C on transcript NM_004333.6 (MANE Select); coding-DNA position 2047, A replaced by C.
Protein change: p.Ser683Arg; replaces serine 683 with arginine.
Molecular consequence: missense variant.
Genome position (GRCh38, 1-based): chr7:140,739,892, T>G on the plus strand (A>C on the coding strand, the complement: BRAF is on the minus strand). VCF-style: chr7-140739892-T-G. GRCh37 (hg19) VCF-style: chr7-140439692-T-G.
Other names: c.2047A>C, p.Ser683Arg (NM_001354609.2, NM_001378468.1, NM_001378474.1); c.2167A>C, p.Ser723Arg (NM_001374244.1, NM_001374258.1); c.2056A>C, p.Ser686Arg (NM_001378467.1); c.1981A>C, p.Ser661Arg (NM_001378469.1); c.1945A>C, p.Ser649Arg (NM_001378470.1); c.1936A>C, p.Ser646Arg (NM_001378471.1); c.1891A>C, p.Ser631Arg (NM_001378472.1, NM_001378473.1); c.1783A>C, p.Ser595Arg (NM_001378475.1); short protein forms S595R, S631R, S646R, S649R, S661R, S683R, S686R, S723R.
Identifiers: ClinVar variation 3223980 (VCV003223980.3), dbSNP rs2130900196, ClinGen allele CA369538380.